The following is an entry in ClinVar:

NM_006767.4(LZTR1):c.1352A>G (p.Glu451Gly)

Gene: LZTR1 (leucine zipper like post translational regulator 1; plus strand). Cytogenetic location: 22q11.21.
Variant type: single nucleotide variant.
Coding change: c.1352A>G on transcript NM_006767.4 (MANE Select); coding-DNA position 1352, A replaced by G.
Protein change: p.Glu451Gly; replaces glutamic acid 451 with glycine.
Molecular consequence: missense variant.
Genome position (GRCh38, 1-based): chr22:20,993,753, A>G. VCF-style: chr22-20993753-A-G. GRCh37 (hg19) VCF-style: chr22-21348042-A-G.
Other names: c.1352A>G (NM_006767.3); short protein forms E451G.
Identifiers: ClinVar variation 2900973 (VCV002900973.4), dbSNP rs747701179, ClinGen allele CA10118825.

ClinVar aggregate classification (germline): Uncertain significance. Review status: criteria provided, multiple submitters, no conflicts (2 of 4 stars). 2 submissions from 2 submitters: Uncertain significance (2). Last evaluated 2025-07-19.

Conditions:
Hereditary cancer-predisposing syndrome. Also called: Hereditary Cancer Syndrome; Hereditary neoplastic syndrome; Tumor predisposition; Neoplastic Syndromes, Hereditary. Identifiers: Orphanet 140162, MedGen C0027672, MeSH D009386, MONDO:0015356.
Cardiovascular phenotype. Identifiers: MedGen CN230736.

gnomAD v4.1: 1 of 1,612,328 alleles (0.000062%); highest among the groups gnomAD compares: South Asian, 0.0011%; no homozygotes.

Submissions (2):

Ambry Genetics
Classification: Uncertain significance for Cardiovascular phenotype; Hereditary cancer-predisposing syndrome. Last evaluated: 2025-07-19. Review status: criteria provided, single submitter. Criteria: Ambry Variant Classification Scheme 2023. Collection method: clinical testing. Allele origin: germline.
Comment: The p.E451G variant (also known as c.1352A>G), located in coding exon 12 of the LZTR1 gene, results from an A to G substitution at nucleotide position 1352. The glutamic acid at codon 451 is replaced by glycine, an amino acid with similar properties. This amino acid position is conserved. In addition, the in silico prediction for this alteration is inconclusive. Based on the available evidence, the clinical significance of this variant remains unclear.

Labcorp Genetics (formerly Invitae), Labcorp
Classification: Uncertain significance. Last evaluated: 2024-01-05. Review status: criteria provided, single submitter. Criteria: Invitae Variant Classification Sherloc (09022015). Collection method: clinical testing. Allele origin: germline.
Comment: This sequence change replaces glutamic acid, which is acidic and polar, with glycine, which is neutral and non-polar, at codon 451 of the LZTR1 protein (p.Glu451Gly). This variant is present in population databases (rs747701179, gnomAD 0.003%). This variant has not been reported in the literature in individuals affected with LZTR1-related conditions. An algorithm developed to predict the effect of missense changes on protein structure and function (PolyPhen-2) suggests that this variant is likely to be tolerated. Algorithms developed to predict the effect of sequence changes on RNA splicing suggest that this variant may disrupt the consensus splice site. In summary, the available evidence is currently insufficient to determine the role of this variant in disease. Therefore, it has been classified as a Variant of Uncertain Significance.